The following is an entry in ClinVar:

ClinVar aggregate classification (germline): Conflicting classifications of pathogenicity. Review status: criteria provided, conflicting classifications (1 of 4 stars). 5 submissions from 5 submitters: Uncertain significance (4); Likely benign (1). Last evaluated 2026-02-11.

Conditions:
Noonan syndrome-like disorder with loose anagen hair 1 (NSLH1). Also called: TOSTI SYNDROME; MAZZANTI SYNDROME. Identifiers: Orphanet 2701, MedGen C4478716, MONDO:0054637, OMIM 607721.
Cardiovascular phenotype. Identifiers: MedGen CN230736.
RASopathy. Also called: Noonan spectrum disorder; rasopathies. Identifiers: Orphanet 536391, MedGen C5555857, MONDO:0021060.

Allele frequency attached by ClinVar (database versions not stated): gnomAD 0.00001; gnomAD exomes 0.00001 and 0.00002; TOPMed 0.00001.
gnomAD v4.1: 30 of 1,613,488 alleles (0.0019%); highest among the groups gnomAD compares: Non-Finnish European, 0.0025%; no homozygotes.

Submissions (5):

St. Jude Molecular Pathology, St. Jude Children's Research Hospital
Classification: Uncertain significance for Noonan syndrome-like disorder with loose anagen hair 1. Last evaluated: 2026-02-11. Review status: criteria provided, single submitter. Criteria: St. Jude Assertion Criteria 2020. Collection method: clinical testing. Allele origin: germline.
Comment: The SHOC2 c.619G>A p.(Val207Met) missense change has a maximum subpopulation frequency of 0.0018% in gnomAD v2.1.1. The in silico tool REVEL is inconclusive about a pathogenic or benign effec t of this variant on protein function, and to our knowledge functional studies have not been performed. To our knowledge, this variant has not been reported in the literature in individuals with SHOC2-related disease. In summary, the evidence currently a vailable is insufficient to determine the clinical significance of this variant. It has therefore been classified as of uncertain significance.

Labcorp Genetics (formerly Invitae), Labcorp
Classification: Uncertain significance for RASopathy. Last evaluated: 2026-01-26. Review status: criteria provided, single submitter. Criteria: Invitae Variant Classification Sherloc (09022015). Collection method: clinical testing. Allele origin: germline.
Comment: This sequence change replaces valine, which is neutral and non-polar, with methionine, which is neutral and non-polar, at codon 207 of the SHOC2 protein (p.Val207Met). This variant is present in population databases (no rsID available, gnomAD 0.0009%). This variant has not been reported in the literature in individuals affected with SHOC2-related conditions. ClinVar contains an entry for this variant (Variation ID: 948626). Invitae Evidence Modeling of protein sequence and biophysical properties (such as structural, functional, and spatial information, amino acid conservation, physicochemical variation, residue mobility, and thermodynamic stability) has been performed for this missense variant. However, the output from this modeling did not meet the statistical confidence thresholds required to predict the impact of this variant on SHOC2 protein function. In summary, the available evidence is currently insufficient to determine the role of this variant in disease. Therefore, it has been classified as a Variant of Uncertain Significance.

Ambry Genetics
Classification: Uncertain significance for Cardiovascular phenotype. Last evaluated: 2025-06-30. Review status: criteria provided, single submitter. Criteria: Ambry Variant Classification Scheme 2023. Collection method: clinical testing. Allele origin: germline.
Comment: The p.V207M variant (also known as c.619G>A), located in coding exon 1 of the SHOC2 gene, results from a G to A substitution at nucleotide position 619. The valine at codon 207 is replaced by methionine, an amino acid with highly similar properties. This amino acid position is conserved. In addition, the in silico prediction for this alteration is inconclusive. Since supporting evidence is limited at this time, the clinical significance of this alteration remains unclear.

Blueprint Genetics
Classification: Likely benign. Last evaluated: 2024-01-17. Review status: criteria provided, single submitter. Criteria: ACMG Guidelines, 2015. Collection method: clinical testing. Allele origin: germline.

Fulgent Genetics
Classification: Uncertain significance for Noonan syndrome-like disorder with loose anagen hair 1. Last evaluated: 2021-09-03. Review status: criteria provided, single submitter. Criteria: ACMG Guidelines, 2015. Collection method: clinical testing. Allele origin: unknown.

NM_007373.4(SHOC2):c.619G>A (p.Val207Met)

Gene: SHOC2 (SHOC2 leucine rich repeat scaffold protein; plus strand). Cytogenetic location: 10q25.2.
Variant type: single nucleotide variant.
Coding change: c.619G>A on transcript NM_007373.4 (MANE Select); coding-DNA position 619, G replaced by A.
Protein change: p.Val207Met; replaces valine 207 with methionine.
Molecular consequence: missense variant.
Genome position (GRCh38, 1-based): chr10:110,964,977, G>A. VCF-style: chr10-110964977-G-A. GRCh37 (hg19) VCF-style: chr10-112724735-G-A.
Other names: c.619G>A, p.Val207Met (NM_001269039.3, NM_001324336.2, NM_001324337.2); short protein forms V207M.
Identifiers: ClinVar variation 948626 (VCV000948626.13), dbSNP rs998435032, ClinGen allele CA213257079.